The following is an entry in ClinVar:

ClinVar aggregate classification (germline): Benign (1 of 4 stars; one submission).

Allele frequency attached by ClinVar (database versions not stated): 1000 Genomes Project 0.37919; gnomAD 0.34744 and 0.35419; TOPMed 0.37277; 1000 Genomes Project 30x 0.37383.
gnomAD v4.1: 53,947 of 151,542 alleles (36%); highest among the groups gnomAD compares: East Asian, 62%; 11,613 homozygotes.

Submission:

GeneDx
Classification: Benign. Last evaluated: 2018-06-14. Review status: criteria provided, single submitter. Criteria: GeneDx Variant Classification (06012015). Collection method: clinical testing. Allele origin: germline. Affected: yes.
Comment: This variant is considered likely benign or benign based on one or more of the following criteria: it is a conservative change, it occurs at a poorly conserved position in the protein, it is predicted to be benign by multiple in silico algorithms, and/or has population frequency not consistent with disease.

NM_014141.6(CNTNAP2):c.3796+191A>G

Gene: CNTNAP2 (contactin associated protein 2; plus strand). Cytogenetic location: 7q36.1.
Variant type: single nucleotide variant.
Coding change: c.3796+191A>G on transcript NM_014141.6 (MANE Select); 191 bases into the intron after coding-DNA position 3796, A replaced by G.
Molecular consequence: intron variant.
Genome position (GRCh38, 1-based): chr7:148,409,662, A>G. VCF-style: chr7-148409662-A-G. GRCh37 (hg19) VCF-style: chr7-148106754-A-G.
Identifiers: ClinVar variation 679935 (VCV000679935.1), dbSNP rs11764737, ClinGen allele CA12524777.